The following is an entry in ClinVar:

ClinVar aggregate classification (germline): Uncertain significance (1 of 4 stars; one submission).

gnomAD v4.1: 37 of 1,613,418 alleles (0.0023%); highest among the groups gnomAD compares: Middle Eastern, 0.016%; no homozygotes.

Submission:

Dasa
Classification: Uncertain significance. Last evaluated: 2025-07-29. Review status: criteria provided, single submitter. Criteria: DASA Assertion Criteria. Collection method: clinical testing. Allele origin: germline.
Comment: NM_006885.4(ZFHX3):c.2119G>A (p.Gly707Arg) is a missense variant that results in the substitution of glycine with arginine. This variant is rare in population databases. Computational prediction algorithms are consistent with a deleterious effect. The currently available literature and clinical evidence are not sufficient to establish a definitive association between this variant and the reported condition. Therefore, this variant is classified as a variant of uncertain significance.

NM_006885.4(ZFHX3):c.2119G>A (p.Gly707Arg)

Gene: ZFHX3 (zinc finger homeobox 3; minus strand). Cytogenetic location: 16q22.3.
Variant type: single nucleotide variant.
Coding change: c.2119G>A on transcript NM_006885.4 (MANE Select); coding-DNA position 2119, G replaced by A.
Protein change: p.Gly707Arg; replaces glycine 707 with arginine.
Molecular consequence: missense variant. On other transcripts: intron variant (1).
Genome position (GRCh38, 1-based): chr16:72,958,027, C>T on the plus strand (G>A on the coding strand, the complement: ZFHX3 is on the minus strand). VCF-style: chr16-72958027-C-T. GRCh37 (hg19) VCF-style: chr16-72991926-C-T.
Other names: c.2119G>A, p.Gly707Arg (NM_001386735.1); c.-23-7062G>A (NM_001164766.2); short protein forms G707R.
Identifiers: ClinVar variation 4883265 (VCV004883265.2).